The following is an entry in ClinVar:

ClinVar aggregate classification (germline): Uncertain significance. Review status: criteria provided, multiple submitters, no conflicts (2 of 4 stars). 2 submissions from 2 submitters: Uncertain significance (2). Last evaluated 2023-12-20.

Conditions:
Bethlem myopathy 1A. Also called: Bethlem Muscular Dystrophy; MYOPATHY, BENIGN CONGENITAL, WITH CONTRACTURES; Bethlem myopathy 1. Identifiers: Orphanet 610, MedGen CN029274, MONDO:0024530, OMIM 158810.

Allele frequency attached by ClinVar (database versions not stated): gnomAD 0.00001; ExAC 0.00002; TOPMed 0.00002; ESP Exome Variant Server 0.00008.
gnomAD v4.1: 51 of 1,613,658 alleles (0.0032%); highest among the groups gnomAD compares: Non-Finnish European, 0.0039%; no homozygotes.

Submissions (2):

Labcorp Genetics (formerly Invitae), Labcorp
Classification: Uncertain significance for Bethlem myopathy 1A. Last evaluated: 2023-12-20. Review status: criteria provided, single submitter. Criteria: Invitae Variant Classification Sherloc (09022015). Collection method: clinical testing. Allele origin: germline.
Comment: This sequence change replaces arginine, which is basic and polar, with cysteine, which is neutral and slightly polar, at codon 2811 of the COL6A3 protein (p.Arg2811Cys). This variant is present in population databases (rs371361651, gnomAD 0.004%). This missense change has been observed in individual(s) with clinical features of congenital muscular dystrophy (PMID: 28688748). ClinVar contains an entry for this variant (Variation ID: 1034842). Advanced modeling of protein sequence and biophysical properties (such as structural, functional, and spatial information, amino acid conservation, physicochemical variation, residue mobility, and thermodynamic stability) performed at Invitae indicates that this missense variant is expected to disrupt COL6A3 protein function with a positive predictive value of 80%. In summary, the available evidence is currently insufficient to determine the role of this variant in disease. Therefore, it has been classified as a Variant of Uncertain Significance.

GeneDx
Classification: Uncertain significance. Last evaluated: 2021-08-27. Review status: criteria provided, single submitter. Criteria: GeneDx Variant Classification Process June 2021. Collection method: clinical testing. Allele origin: germline. Affected: yes.
Comment: Reported in the compound heterozygous state in an individual with a congenital muscular dystrophy in published literature; however, specific clinical information and details about the second variant were not provided (Sframeli et al., 2017); In silico analysis supports that this missense variant has a deleterious effect on protein structure/function; Not observed at significant frequency in large population cohorts (Lek et al., 2016); This variant is associated with the following publications: (PMID: 28688748)

Literature cited by the submitters: PubMed 28688748 (cited by Labcorp Genetics (formerly Invitae), Labcorp).

NM_004369.4(COL6A3):c.8431C>T (p.Arg2811Cys)

Gene: COL6A3 (collagen type VI alpha 3 chain; minus strand). Cytogenetic location: 2q37.3.
Variant type: single nucleotide variant.
Coding change: c.8431C>T on transcript NM_004369.4 (MANE Select); coding-DNA position 8431, C replaced by T.
Protein change: p.Arg2811Cys; replaces arginine 2811 with cysteine.
Molecular consequence: missense variant.
Genome position (GRCh38, 1-based): chr2:237,340,485, G>A on the plus strand (C>T on the coding strand, the complement: COL6A3 is on the minus strand). VCF-style: chr2-237340485-G-A. GRCh37 (hg19) VCF-style: chr2-238249128-G-A.
Other names: c.6610C>T, p.Arg2204Cys (NM_057166.5); c.7813C>T, p.Arg2605Cys (NM_057167.4); short protein forms R2811C, R2204C, R2605C.
Identifiers: ClinVar variation 1034842 (VCV001034842.11), dbSNP rs371361651, ClinGen allele CA2187552.
Genomic context (GRCh38, chr2:237,340,485, plus strand): 5'-GCACATGCTGTGCCACGCAGGACTTACTGCTGACGAAGGATGGCAACAGCCTCCCGAAGC[G>A]CATCAAAGGCTCCTCGTTGAGCTCGGTGGACTTGTCCACTAATTTGAAGAAGACGTCGTT-3'
Protein context (NP_004360.2, residues 2801-2821): STELNEEPLM[Arg2811Cys]FGRLLPSFVS